The following is an entry in ClinVar:

NM_014140.4(SMARCAL1):c.2538dup (p.Gln847fs)

Gene: SMARCAL1 (SNF2 related chromatin remodeling annealing helicase 1; plus strand). Cytogenetic location: 2q35.
Variant type: Duplication.
Coding change: c.2538dup on transcript NM_014140.4 (MANE Select); coding-DNA position 2538, one base duplicated (T; older notation c.2538dupT).
Protein change: p.Gln847fs; shifts the reading frame from glutamine 847.
Molecular consequence: frameshift variant.
Genome position (GRCh38, 1-based): chr2:216,478,212, T duplicated; the last of 2 consecutive T bases (chr2:216,478,211-216,478,212); duplicating either gives the same sequence. VCF-style (leftmost placement, unchanged base first): chr2-216478210-A-AT. GRCh37 (hg19) VCF-style: chr2-217342933-A-AT.
Other names: c.2538dup, p.Gln847fs (NM_001127207.2); short protein forms Q847fs.
Identifiers: ClinVar variation 1960970 (VCV001960970.6), dbSNP rs2469051900, ClinGen allele CA2580065673.

ClinVar aggregate classification (germline): Pathogenic (1 of 4 stars; one submission).

Conditions:
Schimke immuno-osseous dysplasia (SIOD). Also called: Schimke Immunoosseous Dysplasia. Identifiers: Orphanet 1830, MedGen C0877024, MONDO:0009458, OMIM 242900.

Submission:

Labcorp Genetics (formerly Invitae), Labcorp
Classification: Pathogenic for Schimke immuno-osseous dysplasia. Last evaluated: 2023-12-04. Review status: criteria provided, single submitter. Criteria: Invitae Variant Classification Sherloc (09022015). Collection method: clinical testing. Allele origin: germline.
Comment: This sequence change creates a premature translational stop signal (p.Gln847Serfs*5) in the SMARCAL1 gene. It is expected to result in an absent or disrupted protein product. Loss-of-function variants in SMARCAL1 are known to be pathogenic (PMID: 11799392, 20301550). This variant is not present in population databases (gnomAD no frequency). This variant has not been reported in the literature in individuals affected with SMARCAL1-related conditions. ClinVar contains an entry for this variant (Variation ID: 1960970). For these reasons, this variant has been classified as Pathogenic.

Literature cited by the submitters: PubMed 11799392; PubMed 20301550.